The following is an entry in ClinVar:

ClinVar aggregate classification (germline): Uncertain significance (1 of 4 stars; one submission).

Conditions:
Hereditary cancer-predisposing syndrome. Also called: Neoplastic Syndromes, Hereditary; Tumor predisposition; Hereditary Cancer Syndrome; Hereditary neoplastic syndrome. Identifiers: Orphanet 140162, MedGen C0027672, MeSH D009386, MONDO:0015356.

Submission:

Ambry Genetics
Classification: Uncertain significance for Hereditary cancer-predisposing syndrome. Last evaluated: 2025-05-19. Review status: criteria provided, single submitter. Criteria: Ambry Variant Classification Scheme 2023. Collection method: clinical testing. Allele origin: germline.
Comment: The p.L631V variant (also known as c.1891C>G), located in coding exon 9 of the BARD1 gene, results from a C to G substitution at nucleotide position 1891. The leucine at codon 631 is replaced by valine, an amino acid with highly similar properties. This amino acid position is highly conserved in available vertebrate species. In addition, this alteration is predicted to be tolerated by in silico analysis. Since supporting evidence is limited at this time, the clinical significance of this alteration remains unclear.

NM_000465.4(BARD1):c.1891C>G (p.Leu631Val)

Gene: BARD1 (BRCA1 associated RING domain 1; minus strand). Cytogenetic location: 2q35.
Variant type: single nucleotide variant.
Coding change: c.1891C>G on transcript NM_000465.4 (MANE Select); coding-DNA position 1891, C replaced by G.
Protein change: p.Leu631Val; replaces leucine 631 with valine.
Molecular consequence: missense variant. On other transcripts: non-coding transcript variant (3), intron variant (1).
Genome position (GRCh38, 1-based): chr2:214,745,079, G>C on the plus strand (C>G on the coding strand, the complement: BARD1 is on the minus strand). VCF-style: chr2-214745079-G-C. GRCh37 (hg19) VCF-style: chr2-215609803-G-C.
Other names: c.1834C>G, p.Leu612Val (NM_001282543.2); c.538C>G, p.Leu180Val (NM_001282545.2); c.481C>G, p.Leu161Val (NM_001282548.2); c.365-14571C>G (NM_001282549.2); short protein forms L180V, L612V, L631V, L161V.
Identifiers: ClinVar variation 1782077 (VCV001782077.3), dbSNP rs2469337600, ClinGen allele CA350452072.